The following is an entry in ClinVar:

ClinVar aggregate classification (germline): Likely benign. Review status: criteria provided, multiple submitters, no conflicts (2 of 4 stars). 3 submissions from 3 submitters: Likely benign (2). 1 of the submissions does not count toward it. Last evaluated 2025-08-08.

Conditions:
Primary ciliary dyskinesia. Also called: Ciliary dyskinesia. Identifiers: Orphanet 244, MedGen C0008780, MONDO:0016575, HP:0012265.
CCDC40-related disorder. Also called: CCDC40-related condition.

Allele frequency attached by ClinVar (database versions not stated): gnomAD exomes 0.00002; ExAC 0.00003; TOPMed 0.00005; gnomAD 0.00006 and 0.00007.
gnomAD v4.1: 154 of 1,613,636 alleles (0.0095%); highest among the groups gnomAD compares: Non-Finnish European, 0.012%; no homozygotes.

Submissions (3):

Labcorp Genetics (formerly Invitae), Labcorp
Classification: Likely benign for Primary ciliary dyskinesia. Last evaluated: 2025-08-08. Review status: criteria provided, single submitter. Criteria: Invitae Variant Classification Sherloc (09022015). Collection method: clinical testing. Allele origin: germline.

Mayo Clinic Laboratories, Mayo Clinic
Classification: Likely benign. Last evaluated: 2025-08-06. Review status: criteria provided, single submitter. Criteria: ACMG Guidelines, 2015. Collection method: clinical testing. Allele origin: germline. Observed: 1 variant allele.
Comment: BP4, BP7

PreventionGenetics, part of Exact Sciences
Classification: Likely benign for CCDC40-related condition. Last evaluated: 2019-06-14. Review status: no assertion criteria provided. Collection method: clinical testing. Allele origin: germline. Not counted in ClinVar's aggregate classification.
Comment: This variant is classified as likely benign based on ACMG/AMP sequence variant interpretation guidelines (Richards et al. 2015 PMID: 25741868, with internal and published modifications).

NM_017950.4(CCDC40):c.636C>T (p.Ile212=)

Gene: CCDC40 (coiled-coil domain 40 molecular ruler complex subunit; plus strand). Cytogenetic location: 17q25.3.
Variant type: single nucleotide variant.
Coding change: c.636C>T on transcript NM_017950.4 (MANE Select); coding-DNA position 636, C replaced by T.
Protein change: p.Ile212=; no amino-acid change (isoleucine 212 retained).
Molecular consequence: synonymous variant.
Genome position (GRCh38, 1-based): chr17:80,047,362, C>T. VCF-style: chr17-80047362-C-T. GRCh37 (hg19) VCF-style: chr17-78021161-C-T.
Other names: p.Ile212=; c.636C>T, p.Ile212= (NM_001243342.2, NM_001330508.2).
Identifiers: ClinVar variation 414639 (VCV000414639.12), dbSNP rs754379326, ClinGen allele CA8813509.